The following is an entry in ClinVar:

NM_007294.4(BRCA1):c.3525T>G (p.Ala1175=)

Genes: BRCA1 (BRCA1 DNA repair associated; minus strand), LOC126862571 (BRD4-independent group 4 enhancer GRCh37_chr17:41243136-41244335; plus strand). Cytogenetic location: 17q21.31.
Variant type: single nucleotide variant.
Coding change: c.3525T>G on transcript NM_007294.4 (MANE Select); coding-DNA position 3525, T replaced by G.
Protein change: p.Ala1175=; no amino-acid change (alanine 1175 retained).
Molecular consequence: synonymous variant. On other transcripts: intron variant (135).
Genome position (GRCh38, 1-based): chr17:43,092,006, A>C on the plus strand (T>G on the coding strand, the complement: BRCA1 is on the minus strand). VCF-style: chr17-43092006-A-C. GRCh37 (hg19) VCF-style: chr17-41244023-A-C.
Other names: c.785-974T>G (NM_001408398.1, NM_001407992.1, NM_001408400.1 and 13 more transcripts); c.665-974T>G (NM_001408440.1, NM_001408428.1, NM_001408441.1 and 12 more transcripts); c.671-974T>G (NM_001408418.1, NM_001408423.1, NM_001408420.1 and 2 more transcripts); c.788-974T>G (NM_001407981.1, NM_007298.4, NM_001407978.1 and 17 more transcripts); c.644-974T>G (NM_001408462.1, NM_001408470.1, NM_001408464.1 and 3 more transcripts); c.710-974T>G (NM_001408414.1, NM_001408411.1, NM_001408415.1 and 2 more transcripts); c.578-974T>G (NM_001408514.1, NM_001408485.1, NM_001408483.1 and 9 more transcripts); c.662-974T>G (NM_001408447.1, NM_001408433.1, NM_001408446.1 and 6 more transcripts); and 41 more.
Identifiers: ClinVar variation 427276 (VCV000427276.16), dbSNP rs1131692086, ClinGen allele CA500232064.

ClinVar aggregate classification (germline): Likely benign. Review status: reviewed by expert panel (3 of 4 stars). 4 submissions from 4 submitters: Likely benign (1). 3 of the submissions do not count toward it. Last evaluated 2017-06-29.

Conditions:
Hereditary breast ovarian cancer syndrome. Also called: Hereditary breast and ovarian cancer syndrome (HBOC); BRCA1- and BRCA2-Associated Hereditary Breast and Ovarian Cancer; Hereditary breast and/or ovarian cancer syndrome; Hereditary breast and ovarian cancer syndrome; Hereditary breast and ovarian cancer; Breast and ovarian cancer. Identifiers: Orphanet 145, MedGen C0677776, MeSH D061325, MONDO:0003582. Disease mechanism: loss of function.
Hereditary cancer-predisposing syndrome. Also called: Neoplastic Syndromes, Hereditary; Hereditary neoplastic syndrome; Tumor predisposition; Hereditary Cancer Syndrome. Identifiers: Orphanet 140162, MedGen C0027672, MeSH D009386, MONDO:0015356.
Breast-ovarian cancer, familial, susceptibility to, 1 (BROVCA1). Also called: BRCA1 Hereditary Breast and Ovarian Cancer; OVARIAN CANCER, SUSCEPTIBILITY TO. Identifiers: Orphanet 145, MedGen C2676676, MONDO:0011450, OMIM 604370. Disease mechanism: loss of function.

gnomAD v4.1: 1 of 1,614,126 alleles (0.000062%); highest among the groups gnomAD compares: Non-Finnish European, 0.000085%; no homozygotes.

Submissions (4):

Evidence-based Network for the Interpretation of Germline Mutant Alleles (ENIGMA)
Classification: Likely benign for Breast-ovarian cancer, familial, susceptibility to, 1. Last evaluated: 2017-06-29. Review status: reviewed by expert panel. Criteria: ENIGMA BRCA1/2 Classification Criteria (2017-06-29). Collection method: curation. Allele origin: germline.
Comment: Synonymous substitution variant, with low bioinformatic likelihood to result in a splicing aberration (Splicing prior probability 0.02).

Labcorp Genetics (formerly Invitae), Labcorp
Classification: Likely benign for Hereditary breast ovarian cancer syndrome. Last evaluated: 2024-04-13. Review status: criteria provided, single submitter. Criteria: Invitae Variant Classification Sherloc (09022015). Collection method: clinical testing. Allele origin: germline. Not counted in ClinVar's aggregate classification.

Color Diagnostics, LLC DBA Color Health
Classification: Likely benign for Hereditary cancer-predisposing syndrome. Last evaluated: 2021-01-05. Review status: criteria provided, single submitter. Criteria: ACMG Guidelines, 2015. Collection method: clinical testing. Allele origin: germline. Not counted in ClinVar's aggregate classification.

GeneDx
Classification: Benign. Last evaluated: 2015-06-08. Review status: criteria provided, single submitter. Criteria: GeneDx Variant Classification Process June 2021. Collection method: clinical testing. Allele origin: germline. Affected: yes. Not counted in ClinVar's aggregate classification.